The following is an entry in ClinVar:

NM_004562.3(PRKN):c.80A>C (p.Lys27Thr)

Gene: PRKN (parkin RBR E3 ubiquitin protein ligase; minus strand). Cytogenetic location: 6q26.
Variant type: single nucleotide variant.
Coding change: c.80A>C on transcript NM_004562.3 (MANE Select); coding-DNA position 80, A replaced by C.
Protein change: p.Lys27Thr; replaces lysine 27 with threonine.
Molecular consequence: missense variant.
Genome position (GRCh38, 1-based): chr6:162,443,401, T>G on the plus strand (A>C on the coding strand, the complement: PRKN is on the minus strand). VCF-style: chr6-162443401-T-G. GRCh37 (hg19) VCF-style: chr6-162864433-T-G.
Other names: c.80A>C, p.Lys27Thr (NM_013987.3, NM_013988.3); short protein forms K27T.
Identifiers: ClinVar variation 2156059 (VCV002156059.4), dbSNP rs1562768845, ClinGen allele CA366477359.

ClinVar aggregate classification (germline): Uncertain significance (1 of 4 stars; one submission).

Allele frequency attached by ClinVar (database versions not stated): gnomAD 0.00001; TOPMed 0.00002.

Submission:

Labcorp Genetics (formerly Invitae), Labcorp
Classification: Uncertain significance. Last evaluated: 2022-02-18. Review status: criteria provided, single submitter. Criteria: Invitae Variant Classification Sherloc (09022015). Collection method: clinical testing. Allele origin: germline.
Comment: This sequence change replaces lysine, which is basic and polar, with threonine, which is neutral and polar, at codon 27 of the PRKN protein (p.Lys27Thr). In summary, the available evidence is currently insufficient to determine the role of this variant in disease. Therefore, it has been classified as a Variant of Uncertain Significance. Advanced modeling of protein sequence and biophysical properties (such as structural, functional, and spatial information, amino acid conservation, physicochemical variation, residue mobility, and thermodynamic stability) performed at Invitae indicates that this missense variant is expected to disrupt PRKN protein function. This variant has not been reported in the literature in individuals affected with PRKN-related conditions. This variant is not present in population databases (gnomAD no frequency).